The following is an entry in ClinVar:

NM_001195263.2(PDZD7):c.2107A>G (p.Ser703Gly)

Gene: PDZD7 (PDZ domain containing 7; minus strand). Cytogenetic location: 10q24.31.
Variant type: single nucleotide variant.
Coding change: c.2107A>G on transcript NM_001195263.2 (MANE Select); coding-DNA position 2107, A replaced by G.
Protein change: p.Ser703Gly; replaces serine 703 with glycine.
Molecular consequence: missense variant.
Genome position (GRCh38, 1-based): chr10:101,010,782, T>C on the plus strand (A>G on the coding strand, the complement: PDZD7 is on the minus strand). VCF-style: chr10-101010782-T-C. GRCh37 (hg19) VCF-style: chr10-102770539-T-C.
Other names: short protein forms S703G.
Identifiers: ClinVar variation 1057603 (VCV001057603.9), dbSNP rs1490498480, ClinGen allele CA378225226.

ClinVar aggregate classification (germline): Uncertain significance (1 of 4 stars; one submission).

Allele frequency attached by ClinVar (database versions not stated): TOPMed below 0.00001; gnomAD 0.00001; gnomAD exomes 0.00001.
gnomAD v4.1: 10 of 1,534,060 alleles (0.00065%); highest among the groups gnomAD compares: Non-Finnish European, 0.00087%; no homozygotes.

Submission:

Labcorp Genetics (formerly Invitae), Labcorp
Classification: Uncertain significance. Last evaluated: 2025-04-28. Review status: criteria provided, single submitter. Criteria: Invitae Variant Classification Sherloc (09022015). Collection method: clinical testing. Allele origin: germline.
Comment: This sequence change replaces serine, which is neutral and polar, with glycine, which is neutral and non-polar, at codon 703 of the PDZD7 protein (p.Ser703Gly). This variant is not present in population databases (gnomAD no frequency). This variant has not been reported in the literature in individuals affected with PDZD7-related conditions. ClinVar contains an entry for this variant (Variation ID: 1057603). Invitae Evidence Modeling of protein sequence and biophysical properties (such as structural, functional, and spatial information, amino acid conservation, physicochemical variation, residue mobility, and thermodynamic stability) indicates that this missense variant is not expected to disrupt PDZD7 protein function with a negative predictive value of 80%. Algorithms developed to predict the effect of sequence changes on RNA splicing suggest that this variant may create or strengthen a splice site. In summary, the available evidence is currently insufficient to determine the role of this variant in disease. Therefore, it has been classified as a Variant of Uncertain Significance.